The following is an entry in ClinVar:

NM_014795.4(ZEB2):c.564G>A (p.Thr188=)

Genes: ZEB2 (zinc finger E-box binding homeobox 2; minus strand), LOC111721705 (skeletal muscle cis-regulatory module overlapping ZEB2; plus strand). Cytogenetic location: 2q22.3.
Variant type: single nucleotide variant.
Coding change: c.564G>A on transcript NM_014795.4 (MANE Select); coding-DNA position 564, G replaced by A.
Protein change: p.Thr188=; no amino-acid change (threonine 188 retained).
Molecular consequence: synonymous variant.
Genome position (GRCh38, 1-based): chr2:144,404,864, C>T on the plus strand (G>A on the coding strand, the complement: ZEB2 is on the minus strand). VCF-style: chr2-144404864-C-T. GRCh37 (hg19) VCF-style: chr2-145162431-C-T.
Other names: c.492G>A, p.Thr164= (NM_001171653.2).
Identifiers: ClinVar variation 389320 (VCV000389320.16), dbSNP rs747482254, ClinGen allele CA1898457.

ClinVar aggregate classification (germline): Likely benign. Review status: criteria provided, multiple submitters, no conflicts (2 of 4 stars). 3 submissions from 3 submitters: Likely benign (3). Last evaluated 2025-03-23.

Conditions:
Inborn genetic diseases. Identifiers: MedGen C0950123, MeSH D030342.
Mowat-Wilson syndrome (MOWS). Also called: Classic Mowat-Wilson Syndrome. Identifiers: Orphanet 2152, MedGen C1856113, MONDO:0009341, OMIM 235730.

Allele frequency attached by ClinVar (database versions not stated): ExAC below 0.00001; TOPMed 0.00003; gnomAD 0.00004.
gnomAD v4.1: 79 of 1,613,936 alleles (0.0049%); highest among the groups gnomAD compares: Non-Finnish European, 0.0058%; no homozygotes.

Submissions (3):

Labcorp Genetics (formerly Invitae), Labcorp
Classification: Likely benign for Mowat-Wilson syndrome. Last evaluated: 2025-03-23. Review status: criteria provided, single submitter. Criteria: Invitae Variant Classification Sherloc (09022015). Collection method: clinical testing. Allele origin: germline.

Ambry Genetics
Classification: Likely benign for Inborn genetic diseases. Last evaluated: 2017-01-17. Review status: criteria provided, single submitter. Criteria: Ambry Variant Classification Scheme 2023. Collection method: clinical testing. Allele origin: germline.

GeneDx
Classification: Likely benign. Last evaluated: 2016-09-19. Review status: criteria provided, single submitter. Criteria: GeneDx Variant Classification (06012015). Collection method: clinical testing. Allele origin: germline. Affected: yes.
Comment: This variant is considered likely benign or benign based on one or more of the following criteria: it is a conservative change, it occurs at a poorly conserved position in the protein, it is predicted to be benign by multiple in silico algorithms, and/or has population frequency not consistent with disease.